The following is an entry in ClinVar:

NM_018127.7(ELAC2):c.368G>A (p.Gly123Glu)

Gene: ELAC2 (elaC ribonuclease Z 2; minus strand). Cytogenetic location: 17p12.
Variant type: single nucleotide variant.
Coding change: c.368G>A on transcript NM_018127.7 (MANE Select); coding-DNA position 368, G replaced by A.
Protein change: p.Gly123Glu; replaces glycine 123 with glutamic acid.
Molecular consequence: missense variant.
Genome position (GRCh38, 1-based): chr17:13,015,832, C>T on the plus strand (G>A on the coding strand, the complement: ELAC2 is on the minus strand). VCF-style: chr17-13015832-C-T. GRCh37 (hg19) VCF-style: chr17-12919149-C-T.
Other names: c.368G>A, p.Gly123Glu (NM_001165962.2, NM_173717.2); short protein forms G123E.
Identifiers: ClinVar variation 2781850 (VCV002781850.2), dbSNP rs1422512992, ClinGen allele CA398218290.

ClinVar aggregate classification (germline): Uncertain significance (1 of 4 stars; one submission).

Conditions:
Combined oxidative phosphorylation defect type 17. Also called: Combined oxidative phosphorylation deficiency 17. Identifiers: Orphanet 369913, MedGen C3809526, MONDO:0014190, OMIM 615440.

Allele frequency attached by ClinVar (database versions not stated): gnomAD exomes below 0.00001.
gnomAD v4.1: 1 of 1,613,512 alleles (0.000062%); highest among the groups gnomAD compares: Non-Finnish European, 0.000085%; no homozygotes.

Submission:

Labcorp Genetics (formerly Invitae), Labcorp
Classification: Uncertain significance for Combined oxidative phosphorylation defect type 17. Last evaluated: 2023-09-04. Review status: criteria provided, single submitter. Criteria: Invitae Variant Classification Sherloc (09022015). Collection method: clinical testing. Allele origin: germline.
Comment: In summary, the available evidence is currently insufficient to determine the role of this variant in disease. Therefore, it has been classified as a Variant of Uncertain Significance. Algorithms developed to predict the effect of sequence changes on RNA splicing suggest that this variant may disrupt the consensus splice site. An algorithm developed to predict the effect of missense changes on protein structure and function (PolyPhen-2) suggests that this variant is likely to be disruptive. This variant has not been reported in the literature in individuals affected with ELAC2-related conditions. This variant is not present in population databases (gnomAD no frequency). This sequence change replaces glycine, which is neutral and non-polar, with glutamic acid, which is acidic and polar, at codon 123 of the ELAC2 protein (p.Gly123Glu).